The following is an entry in ClinVar:

ClinVar aggregate classification (germline): Uncertain significance. Review status: criteria provided, multiple submitters, no conflicts (2 of 4 stars). 4 submissions from 4 submitters: Uncertain significance (4). Last evaluated 2025-10-29.

Conditions:
Inborn genetic diseases. Identifiers: MedGen C0950123, MeSH D030342.
Idiopathic generalized epilepsy. Also called: Generalised epilepsy; EIG. Identifiers: MedGen C0270850, MONDO:0005579, OMIM 600669.

Allele frequency attached by ClinVar (database versions not stated): TOPMed 0.00001; gnomAD 0.00002; 1000 Genomes Project 30x 0.00031.
gnomAD v4.1: 11 of 1,612,752 alleles (0.00068%); highest among the groups gnomAD compares: African/African-American, 0.0013%; no homozygotes.

Submissions (4):

Women's Health and Genetics/Laboratory Corporation of America, LabCorp
Classification: Uncertain significance. Last evaluated: 2025-10-29. Review status: criteria provided, single submitter. Criteria: LabCorp Variant Classification Summary - May 2015. Collection method: clinical testing. Allele origin: germline.
Comment: Variant summary: GABRD c.1049C>T (p.Pro350Leu) results in a non-conservative amino acid change in the encoded protein sequence. Algorithms developed to predict the effect of missense changes on protein structure and function are either unavailable or do not agree on the potential impact of this missense change. The variant allele was found at a frequency of 8e-06 in 249702 control chromosomes. The available data on variant occurrences in the general population are insufficient to allow any conclusion about variant significance. To our knowledge, no occurrence of c.1049C>T in individuals affected with GABRD-related conditions and no experimental evidence demonstrating its impact on protein function have been reported. ClinVar contains an entry for this variant (Variation ID: 2585435). Based on the evidence outlined above, the variant was classified as uncertain significance.

Ambry Genetics
Classification: Uncertain significance for Inborn genetic diseases. Last evaluated: 2025-08-27. Review status: criteria provided, single submitter. Criteria: Ambry Variant Classification Scheme 2023. Collection method: clinical testing. Allele origin: germline.

Labcorp Genetics (formerly Invitae), Labcorp
Classification: Uncertain significance for Idiopathic generalized epilepsy. Last evaluated: 2023-05-16. Review status: criteria provided, single submitter. Criteria: Invitae Variant Classification Sherloc (09022015). Collection method: clinical testing. Allele origin: germline.
Comment: This sequence change replaces proline, which is neutral and non-polar, with leucine, which is neutral and non-polar, at codon 350 of the GABRD protein (p.Pro350Leu). This variant is present in population databases (rs759215834, gnomAD 0.002%). This variant has not been reported in the literature in individuals affected with GABRD-related conditions. An algorithm developed to predict the effect of missense changes on protein structure and function (PolyPhen-2) suggests that this variant is likely to be tolerated. In summary, the available evidence is currently insufficient to determine the role of this variant in disease. Therefore, it has been classified as a Variant of Uncertain Significance.

Neuberg Centre For Genomic Medicine, NCGM
Classification: Uncertain significance for Idiopathic generalized epilepsy. Review status: criteria provided, single submitter. Criteria: ACMG Guidelines, 2015. Collection method: clinical testing. Allele origin: germline. Inheritance: Autosomal dominant inheritance. Affected: yes.
Comment: The missense variant in c.1049C>T(p.Pro350Leu) in GABRD gene has not been reported previously as a pathogenic variant nor as a benign variant, to our knowledge. The p.Pro350Leu variant is reported with the allele frequency of 0.0008010% in gnomAD database and is novel (not in any individuals) in 1000 Genomes. The amino acid Pro at position 350 is changed to a Leu changing protein sequence and it might alter its composition and physico-chemical properties. In silico tools predict the variant to be tolerated. The residue is conserved across species. The amino acid change p.Pro350Leu in GABRD is predicted as conserved by GERP++ and PhyloP across 100 vertebrates. The p.Pro350Leu variant is novel (not in any individuals) in 1000 Genomes. For these reasons, this variant has been classified as Uncertain Significance.

NM_000815.5(GABRD):c.1049C>T (p.Pro350Leu)

Gene: GABRD (gamma-aminobutyric acid type A receptor subunit delta; plus strand). Cytogenetic location: 1p36.33.
Variant type: single nucleotide variant.
Coding change: c.1049C>T on transcript NM_000815.5 (MANE Select); coding-DNA position 1049, C replaced by T.
Protein change: p.Pro350Leu; replaces proline 350 with leucine.
Molecular consequence: missense variant.
Genome position (GRCh38, 1-based): chr1:2,029,752, C>T. VCF-style: chr1-2029752-C-T. GRCh37 (hg19) VCF-style: chr1-1961191-C-T.
Other names: c.1049C>T (NM_000815.4); short protein forms P350L.
Identifiers: ClinVar variation 2585435 (VCV002585435.6), dbSNP rs759215834, ClinGen allele CA534865.